The following is an entry in ClinVar:

NM_206926.2(SELENON):c.1319A>G (p.Glu440Gly)

Gene: SELENON (selenoprotein N; plus strand). Cytogenetic location: 1p36.11.
Variant type: single nucleotide variant.
Coding change: c.1319A>G on transcript NM_206926.2 (MANE Select); coding-DNA position 1319, A replaced by G.
Protein change: p.Glu440Gly; replaces glutamic acid 440 with glycine.
Molecular consequence: missense variant.
Genome position (GRCh38, 1-based): chr1:25,813,914, A>G. VCF-style: chr1-25813914-A-G. GRCh37 (hg19) VCF-style: chr1-26140405-A-G.
Other names: c.1421A>G, p.Glu474Gly (NM_020451.3); short protein forms E474G, E440G.
Identifiers: ClinVar variation 575544 (VCV000575544.6), dbSNP rs772460886, ClinGen allele CA696877.

ClinVar aggregate classification (germline): Uncertain significance (1 of 4 stars; one submission).

Conditions:
Eichsfeld type congenital muscular dystrophy (CMYO3). Also called: MYOPATHY, SEPN1-RELATED; Rigid spine muscular dystrophy 1; SELENON-related myopathy; Congenital myopathy 3 with rigid spine. Identifiers: MedGen C0410180, MONDO:0100100, OMIM 602771.

Allele frequency attached by ClinVar (database versions not stated): gnomAD 0.00001; gnomAD exomes 0.00001; ExAC 0.00001; TOPMed 0.00003.
gnomAD v4.1: 20 of 1,614,010 alleles (0.0012%); highest among the groups gnomAD compares: Middle Eastern, 0.016%; no homozygotes.

Submission:

Labcorp Genetics (formerly Invitae), Labcorp
Classification: Uncertain significance for Eichsfeld type congenital muscular dystrophy. Last evaluated: 2025-07-14. Review status: criteria provided, single submitter. Criteria: Invitae Variant Classification Sherloc (09022015). Collection method: clinical testing. Allele origin: germline.
Comment: This sequence change replaces glutamic acid, which is acidic and polar, with glycine, which is neutral and non-polar, at codon 474 of the SELENON protein (p.Glu474Gly). This variant is present in population databases (rs772460886, gnomAD 0.0009%). This variant has not been reported in the literature in individuals affected with SELENON-related conditions. ClinVar contains an entry for this variant (Variation ID: 575544). An algorithm developed to predict the effect of missense changes on protein structure and function (PolyPhen-2) suggests that this variant is likely to be disruptive. In summary, the available evidence is currently insufficient to determine the role of this variant in disease. Therefore, it has been classified as a Variant of Uncertain Significance.